The following is an entry in ClinVar:

NM_001371928.1(AHDC1):c.3133C>T (p.Pro1045Ser)

Gene: AHDC1 (AT-hook DNA binding motif containing 1; minus strand). Cytogenetic location: 1p36.11.
Variant type: single nucleotide variant.
Coding change: c.3133C>T on transcript NM_001371928.1 (MANE Select); coding-DNA position 3133, C replaced by T.
Protein change: p.Pro1045Ser; replaces proline 1045 with serine.
Molecular consequence: missense variant.
Genome position (GRCh38, 1-based): chr1:27,548,983, G>A on the plus strand (C>T on the coding strand, the complement: AHDC1 is on the minus strand). VCF-style: chr1-27548983-G-A. GRCh37 (hg19) VCF-style: chr1-27875494-G-A.
Other names: c.3133C>T, p.Pro1045Ser (NM_001029882.3); short protein forms P1045S.
Identifiers: ClinVar variation 2778919 (VCV002778919.3), dbSNP rs779880350, ClinGen allele CA715617.

ClinVar aggregate classification (germline): Uncertain significance (1 of 4 stars; one submission).

Allele frequency attached by ClinVar (database versions not stated): ExAC 0.00003.

Submission:

Labcorp Genetics (formerly Invitae), Labcorp
Classification: Uncertain significance. Last evaluated: 2025-08-03. Review status: criteria provided, single submitter. Criteria: Invitae Variant Classification Sherloc (09022015). Collection method: clinical testing. Allele origin: germline.
Comment: This sequence change replaces proline, which is neutral and non-polar, with serine, which is neutral and polar, at codon 1045 of the AHDC1 protein (p.Pro1045Ser). This variant is present in population databases (rs779880350, gnomAD 0.02%). This variant has not been reported in the literature in individuals affected with AHDC1-related conditions. ClinVar contains an entry for this variant (Variation ID: 2778919). An algorithm developed to predict the effect of missense changes on protein structure and function (PolyPhen-2) suggests that this variant is likely to be disruptive. In summary, the available evidence is currently insufficient to determine the role of this variant in disease. Therefore, it has been classified as a Variant of Uncertain Significance.